The following is an entry in ClinVar:

ClinVar aggregate classification (germline): Uncertain significance (1 of 4 stars; one submission).

Conditions:
Spinocerebellar ataxia type 10 (SCA10). Identifiers: Orphanet 98761, MedGen C1963674, MONDO:0011330, OMIM 603516.

Submission:

Laboratory of Medical Genetics, National & Kapodistrian University of Athens
Classification: Uncertain significance for Spinocerebellar ataxia type 10. Last evaluated: 2022-01-18. Review status: criteria provided, single submitter. Criteria: ACMG Guidelines, 2015. Collection method: clinical testing. Allele origin: germline. Affected: yes.
Comment: PVS1, PM2

NM_013236.4(ATXN10):c.1165C>T (p.Gln389Ter)

Gene: ATXN10 (ataxin 10; plus strand). Cytogenetic location: 22q13.31.
Variant type: single nucleotide variant.
Coding change: c.1165C>T on transcript NM_013236.4 (MANE Select); coding-DNA position 1165, C replaced by T.
Protein change: p.Gln389Ter; replaces glutamine 389 with a stop codon.
Molecular consequence: nonsense.
Genome position (GRCh38, 1-based): chr22:45,740,530, C>T. VCF-style: chr22-45740530-C-T. GRCh37 (hg19) VCF-style: chr22-46136410-C-T.
Other names: c.973C>T, p.Gln325Ter (NM_001167621.2); short protein forms Q325*, Q389*.
Identifiers: ClinVar variation 1708088 (VCV001708088.1), dbSNP rs2518094719, ClinGen allele CA411982660.